The following is an entry in ClinVar:

NM_000169.3(GLA):c.101dup (p.Asn34fs)

Genes: GLA (galactosidase alpha; minus strand), RPL36A-HNRNPH2 (RPL36A-HNRNPH2 readthrough; plus strand). Cytogenetic location: Xq22.1.
Variant type: Duplication.
Coding change: c.101dup on transcript NM_000169.3 (MANE Select); coding-DNA position 101, one base duplicated (A; older notation c.101dupA).
Protein change: p.Asn34fs; shifts the reading frame from asparagine 34.
Molecular consequence: frameshift variant. On other transcripts: non-coding transcript variant (3), intron variant (2).
Genome position (GRCh38, 1-based): chrX:101,407,803, T duplicated on the plus strand (A on the coding strand, the reverse complement: GLA is on the minus strand); the first of 2 consecutive T bases (chrX:101,407,803-101,407,804); duplicating either gives the same sequence. VCF-style (leftmost placement, unchanged base first): chrX-101407802-A-AT. GRCh37 (hg19) VCF-style: chrX-100662790-A-AT.
Other names: c.101dup, p.Asn34fs (NM_001406747.1, NM_001406748.1, NM_001406749.1); c.301-4132dup (NM_001199973.2); c.178-4132dup (NM_001199974.2); short protein forms N34fs.
Identifiers: ClinVar variation 4974926 (VCV004974926.1).
Genomic context (GRCh38, chrX:101,407,802, plus strand): 5'-AAGGTTGCACATGAAGCGCTCCCAGTGCAGCCAGCCCATGGTAGGCGTCCTTGCCAATCC[A>AT]TTGTCCAGTGCTCTAGCCCCAGGGATGTCCCAGGAAACGAGGGCCAGGAAGCGAAGCGCA-3'

ClinVar aggregate classification (germline): Pathogenic (1 of 4 stars; one submission).

Conditions:
Fabry disease. Also called: Fabry's disease; ALPHA-GALACTOSIDASE A DEFICIENCY; ANDERSON-FABRY DISEASE; CERAMIDE TRIHEXOSIDASE DEFICIENCY; GLA DEFICIENCY; HEREDITARY DYSTOPIC LIPIDOSIS. Identifiers: Orphanet 324, MedGen C0002986, MONDO:0010526, OMIM 301500, HP:0001071. Disease mechanism: Fabry disease is due to inactivating mutations in the X-linked GLA gene resulting in deficiency of the enzyme Alpha Galactosidase-A., loss of function.

Submission:

Genomenon, Inc
Classification: Pathogenic for Fabry disease. Last evaluated: 2026-09-08. Review status: criteria provided, single submitter. Criteria: Genomenon Sequence Variant Interpretation Standards - Updated. Collection method: curation. Allele origin: germline. Affected: yes.
Comment: GLA p.Asn34LysfsTer22 (c.101dup) is a frameshift variant that is predicted to introduce a premature termination codon and result in a truncated or absent protein product. This variant has been observed in at least one proband with clinical features consistent with Fabry disease (PMID:31246960;41204227). It is absent or not present at a significant frequency in gnomAD. In conclusion, we classify GLA p.Asn34LysfsTer22 (c.101dup) as a pathogenic variant.

Literature cited by the submitters: PubMed 31246960; PubMed 41204227.